The following is an entry in ClinVar:

ClinVar aggregate classification (germline): Uncertain significance (1 of 4 stars; one submission).

Conditions:
KIDINS220-related disorder. Also called: KIDINS220-related condition.

Allele frequency attached by ClinVar (database versions not stated): TOPMed 0.00003; gnomAD 0.00004.
gnomAD v4.1: 16 of 1,613,004 alleles (0.00099%); highest among the groups gnomAD compares: African/African-American, 0.021%; no homozygotes.

Submission:

PreventionGenetics, part of Exact Sciences
Classification: Uncertain significance for KIDINS220-related condition. Last evaluated: 2025-05-27. Review status: criteria provided, single submitter. Criteria: ACMG Guidelines, 2015. Collection method: clinical testing. Allele origin: germline.
Comment: The KIDINS220 c.2006G>T variant is predicted to result in the amino acid substitution p.Cys669Phe. To our knowledge, this variant has not been reported in the literature. This variant is reported in 0.017% of alleles in individuals of African descent in gnomAD. At this time, the clinical significance of this variant is uncertain due to the absence of conclusive functional and genetic evidence.

NM_020738.4(KIDINS220):c.2006G>T (p.Cys669Phe)

Gene: KIDINS220 (kinase D interacting substrate 220; minus strand). Cytogenetic location: 2p25.1.
Variant type: single nucleotide variant.
Coding change: c.2006G>T on transcript NM_020738.4 (MANE Select); coding-DNA position 2006, G replaced by T.
Protein change: p.Cys669Phe; replaces cysteine 669 with phenylalanine.
Molecular consequence: missense variant. On other transcripts: non-coding transcript variant (2).
Genome position (GRCh38, 1-based): chr2:8,785,964, C>A on the plus strand (G>T on the coding strand, the complement: KIDINS220 is on the minus strand). VCF-style: chr2-8785964-C-A. GRCh37 (hg19) VCF-style: chr2-8926094-C-A.
Other names: c.2009G>T, p.Cys670Phe (NM_001348729.2, NM_001348731.2, NM_001348734.2 and 3 more transcripts); c.2006G>T, p.Cys669Phe (NM_001348732.2, NM_001348735.2, NM_001348738.2 and 3 more transcripts); c.1880G>T, p.Cys627Phe (NM_001348736.2); short protein forms C627F, C669F, C670F.
Identifiers: ClinVar variation 2632920 (VCV002632920.2), dbSNP rs983799714, ClinGen allele CA42335600.